The following is an entry in ClinVar:

ClinVar aggregate classification (germline): Uncertain significance (1 of 4 stars; one submission).

Conditions:
Hereditary cancer-predisposing syndrome. Also called: Tumor predisposition; Hereditary Cancer Syndrome; Neoplastic Syndromes, Hereditary; Hereditary neoplastic syndrome. Identifiers: Orphanet 140162, MedGen C0027672, MeSH D009386, MONDO:0015356.

Submission:

Ambry Genetics
Classification: Uncertain significance for Hereditary cancer-predisposing syndrome. Last evaluated: 2022-05-26. Review status: criteria provided, single submitter. Criteria: Ambry Variant Classification Scheme 2023. Collection method: clinical testing. Allele origin: germline.
Comment: The p.G853S variant (also known as c.2557G>A), located in coding exon 17 of the PDGFRA gene, results from a G to A substitution at nucleotide position 2557. The glycine at codon 853 is replaced by serine, an amino acid with similar properties. This amino acid position is conserved. In addition, this alteration is predicted to be deleterious by in silico analysis. Since supporting evidence is limited at this time, the clinical significance of this alteration remains unclear.

NM_006206.6(PDGFRA):c.2557G>A (p.Gly853Ser)

Gene: PDGFRA (platelet derived growth factor receptor alpha; plus strand). Cytogenetic location: 4q12.
Variant type: single nucleotide variant.
Coding change: c.2557G>A on transcript NM_006206.6 (MANE Select); coding-DNA position 2557, G replaced by A.
Protein change: p.Gly853Ser; replaces glycine 853 with serine.
Molecular consequence: missense variant.
Genome position (GRCh38, 1-based): chr4:54,285,958, G>A. VCF-style: chr4-54285958-G-A. GRCh37 (hg19) VCF-style: chr4-55152125-G-A.
Other names: c.2632G>A, p.Gly878Ser (NM_001347828.2); c.2557G>A, p.Gly853Ser (NM_001347829.2); c.2596G>A, p.Gly866Ser (NM_001347830.2); short protein forms G866S, G853S, G878S.
Identifiers: ClinVar variation 1793029 (VCV001793029.2), dbSNP rs2110338413, ClinGen allele CA356895101.